The following is an entry in ClinVar:

NM_000548.5(TSC2):c.561T>C (p.Asn187=)

Gene: TSC2 (TSC complex subunit 2; plus strand). Cytogenetic location: 16p13.3.
Variant type: single nucleotide variant.
Coding change: c.561T>C on transcript NM_000548.5 (MANE Select); coding-DNA position 561, T replaced by C.
Protein change: p.Asn187=; no amino-acid change (asparagine 187 retained).
Molecular consequence: synonymous variant. On other transcripts: 5 prime UTR variant (13), non-coding transcript variant (5), intron variant (6).
Genome position (GRCh38, 1-based): chr16:2,055,481, T>C. VCF-style: chr16-2055481-T-C. GRCh37 (hg19) VCF-style: chr16-2105482-T-C.
Other names: c.561T>C, p.Asn187= (NM_001077183.3, NM_001114382.3, NM_001363528.2 and 8 more transcripts); c.450T>C, p.Asn150= (NM_001318827.2, NM_001406670.1, NM_001406678.1); c.414T>C, p.Asn138= (NM_001318829.2, NM_001406675.1, NM_001406676.1 and 1 more transcripts); c.594T>C, p.Asn198= (NM_001318832.2); c.651T>C, p.Asn217= (NM_001406667.1, NM_001406668.1); c.504T>C, p.Asn168= (NM_001406677.1); c.-256T>C (NM_001406680.1, NM_001406683.1, NM_001406687.1); c.99T>C, p.Asn33= (NM_001406681.1); and 6 more.
Identifiers: ClinVar variation 2915623 (VCV002915623.5), dbSNP rs2151060729, ClinGen allele CA492955843.

ClinVar aggregate classification (germline): Benign/Likely benign. Review status: criteria provided, multiple submitters, no conflicts (2 of 4 stars). 3 submissions from 3 submitters: Benign (1); Likely benign (2). Last evaluated 2026-06-06.

Conditions:
Hereditary cancer-predisposing syndrome. Also called: Hereditary neoplastic syndrome; Neoplastic Syndromes, Hereditary; Tumor predisposition; Hereditary Cancer Syndrome. Identifiers: Orphanet 140162, MedGen C0027672, MeSH D009386, MONDO:0015356.
Tuberous sclerosis 2 (TSC2). Identifiers: Orphanet 805, MedGen C1860707, MONDO:0013199, OMIM 613254.

Submissions (3):

Ambry Genetics
Classification: Likely benign for Hereditary cancer-predisposing syndrome. Last evaluated: 2026-06-06. Review status: criteria provided, single submitter. Criteria: Ambry Variant Classification Scheme 2023. Collection method: clinical testing. Allele origin: germline.

Labcorp Genetics (formerly Invitae), Labcorp
Classification: Likely benign for Tuberous sclerosis 2. Last evaluated: 2025-11-16. Review status: criteria provided, single submitter. Criteria: Invitae Variant Classification Sherloc (09022015). Collection method: clinical testing. Allele origin: germline.

Myriad Genetics, Inc.
Classification: Benign for Tuberous sclerosis 2. Last evaluated: 2025-05-07. Review status: criteria provided, single submitter. Criteria: Myriad Autosomal Dominant, Autosomal Recessive and X-Linked Classification Criteria (2023). Collection method: clinical testing. Allele origin: unknown.
Comment: This variant is considered benign. This variant is a silent/synonymous amino acid change and it is not expected to impact splicing.